The following is an entry in ClinVar:

ClinVar aggregate classification (germline): Uncertain significance. Review status: criteria provided, multiple submitters, no conflicts (2 of 4 stars). 2 submissions from 2 submitters: Uncertain significance (2). Last evaluated 2025-12-02.

Conditions:
PCNT-related disorder. Also called: PCNT-related condition.

Allele frequency attached by ClinVar (database versions not stated): ExAC 0.00002; gnomAD 0.00003; gnomAD exomes 0.00003; TOPMed 0.00004.
gnomAD v4.1: 43 of 1,613,772 alleles (0.0027%); highest among the groups gnomAD compares: African/African-American, 0.013%; no homozygotes.

Submissions (2):

PreventionGenetics, part of Exact Sciences
Classification: Uncertain significance for PCNT-related condition. Last evaluated: 2025-12-02. Review status: criteria provided, single submitter. Criteria: ACMG Guidelines, 2015. Collection method: clinical testing. Allele origin: germline.
Comment: The PCNT c.7883G>T variant is predicted to result in the amino acid substitution p.Cys2628Phe. To our knowledge, this variant has not been reported in the literature. This variant is reported in 0.020% of alleles in individuals of African descent in gnomAD. At this time, the clinical significance of this variant is uncertain due to the absence of conclusive functional and genetic evidence.

Labcorp Genetics (formerly Invitae), Labcorp
Classification: Uncertain significance. Last evaluated: 2024-11-18. Review status: criteria provided, single submitter. Criteria: Invitae Variant Classification Sherloc (09022015). Collection method: clinical testing. Allele origin: germline.
Comment: This sequence change replaces cysteine, which is neutral and slightly polar, with phenylalanine, which is neutral and non-polar, at codon 2628 of the PCNT protein (p.Cys2628Phe). This variant is present in population databases (rs779944578, gnomAD 0.02%). This variant has not been reported in the literature in individuals affected with PCNT-related conditions. ClinVar contains an entry for this variant (Variation ID: 1898894). An algorithm developed to predict the effect of missense changes on protein structure and function (PolyPhen-2) suggests that this variant¬†is likely to be tolerated. In summary, the available evidence is currently insufficient to determine the role of this variant in disease. Therefore, it has been classified as a Variant of Uncertain Significance.

NM_006031.6(PCNT):c.7883G>T (p.Cys2628Phe)

Gene: PCNT (pericentrin; plus strand). Cytogenetic location: 21q22.3.
Variant type: single nucleotide variant.
Coding change: c.7883G>T on transcript NM_006031.6 (MANE Select); coding-DNA position 7883, G replaced by T.
Protein change: p.Cys2628Phe; replaces cysteine 2628 with phenylalanine.
Molecular consequence: missense variant.
Genome position (GRCh38, 1-based): chr21:46,430,202, G>T. VCF-style: chr21-46430202-G-T. GRCh37 (hg19) VCF-style: chr21-47850116-G-T.
Other names: c.7883G>T (NM_006031.5); c.7529G>T, p.Cys2510Phe (NM_001315529.2); short protein forms C2510F, C2628F.
Identifiers: ClinVar variation 1898894 (VCV001898894.5), dbSNP rs779944578, ClinGen allele CA10080811.
Genomic context (GRCh38, chr21:46,430,202, plus strand): 5'-ATTTGAAGTCCGACCTCTGTGAGAGCAGGCAGAAGAGCGAACAGCTGTCCCGGTCCCTCT[G>T]CGAGGTGCAGCAGGAGGTCCTCCAGCTGAGGTGCGCCTGATCCCCCTTCCTGGGACACTG-3'
Protein context (NP_006022.3, residues 2618-2638): QKSEQLSRSL[Cys2628Phe]EVQQEVLQLR